The following is an entry in ClinVar:

NM_001849.4(COL6A2):c.949C>T (p.Arg317Cys)

Gene: COL6A2 (collagen type VI alpha 2 chain; plus strand). Cytogenetic location: 21q22.3.
Variant type: single nucleotide variant.
Coding change: c.949C>T on transcript NM_001849.4 (MANE Select); coding-DNA position 949, C replaced by T.
Protein change: p.Arg317Cys; replaces arginine 317 with cysteine.
Molecular consequence: missense variant.
Genome position (GRCh38, 1-based): chr21:46,116,672, C>T. VCF-style: chr21-46116672-C-T. GRCh37 (hg19) VCF-style: chr21-47536586-C-T.
Other names: c.949C>T, p.Arg317Cys (NM_058174.3, NM_058175.3); short protein forms R317C.
Identifiers: ClinVar variation 3236458 (VCV003236458.2), dbSNP rs752020585, ClinGen allele CA410526983.

ClinVar aggregate classification (germline): Uncertain significance. Review status: criteria provided, single submitter (1 of 4 stars). 2 submissions from 2 submitters: Uncertain significance (1). 1 of the submissions does not count toward it. Last evaluated 2025-09-16.

Conditions:
Bethlem myopathy 1A. Also called: MYOPATHY, BENIGN CONGENITAL, WITH CONTRACTURES; Bethlem myopathy 1; Bethlem Muscular Dystrophy. Identifiers: Orphanet 610, MedGen CN029274, MONDO:0024530, OMIM 158810.

gnomAD v4.1: 15 of 1,613,046 alleles (0.00093%); highest among the groups gnomAD compares: East Asian, 0.0022%; no homozygotes.

Submissions (2):

Women's Health and Genetics/Laboratory Corporation of America, LabCorp
Classification: Uncertain significance. Last evaluated: 2025-09-16. Review status: criteria provided, single submitter. Criteria: LabCorp Variant Classification Summary - May 2015. Collection method: clinical testing. Allele origin: germline.
Comment: Variant summary: COL6A2 c.949C>T (p.Arg317Cys) results in a non-conservative amino acid change in the encoded protein sequence. Algorithms developed to predict the effect of missense changes on protein structure and function all suggest that this variant is likely to be disruptive. The variant was absent in 250324 control chromosomes. c.949C>T has been observed as de novo in an individual affected with Ullrich congenital muscular dystrophy 1-AD (Sharaf-Eldin_2024). These data suggests that this variant may be associated with disease. To our knowledge, no experimental evidence demonstrating an impact on protein function has been reported. The following publication have been ascertained in the context of this evaluation (PMID: 39367186). ClinVar contains an entry for this variant (Variation ID: 3236458). Based on the evidence outlined above, the variant was classified as VUS-possibly pathogenic.

Medical Molecular Genetics Department, Human Genetics and Genome Research Division, National Research Centre
Classification: Uncertain significance for Bethlem myopathy 1A. Last evaluated: 2023-12-04. Review status: no assertion criteria provided. Collection method: clinical testing. Allele origin: de novo. Affected: yes. Observed: 1 variant allele. Not counted in ClinVar's aggregate classification.

Literature cited by the submitters: PubMed 39367186 (cited by Women's Health and Genetics/Laboratory Corporation of America, LabCorp).